The following is an entry in ClinVar:

NM_172240.3(POC1B):c.1079_1080del (p.Pro360fs)

Genes: POC1B (POC1 centriolar protein B; minus strand), POC1B-DUSP6 (POC1B-DUSP6 readthrough; minus strand). Cytogenetic location: 12q21.33.
Variant type: Deletion.
Coding change: c.1079_1080del on transcript NM_172240.3 (MANE Select); coding-DNA positions 1079 to 1080, 2 bases deleted (CT; older notation c.1079_1080delCT).
Protein change: p.Pro360fs; shifts the reading frame from proline 360.
Molecular consequence: frameshift variant. On other transcripts: non-coding transcript variant (2).
Genome position (GRCh38, 1-based): chr12:89,459,671-89,459,672, AG deleted on the plus strand (CT on the coding strand, the reverse complement: POC1B is on the minus strand). VCF-style (leftmost placement, unchanged base first): chr12-89459670-CAG-C. GRCh37 (hg19) VCF-style: chr12-89853447-CAG-C.
Other names: c.953_954del, p.Pro318fs (NM_001199777.2); short protein forms P318fs, P360fs.
Identifiers: ClinVar variation 1397795 (VCV001397795.8), dbSNP rs774472777, ClinGen allele CA6714294.

ClinVar aggregate classification (germline): Pathogenic/Likely pathogenic. Review status: criteria provided, multiple submitters, no conflicts (2 of 4 stars). 3 submissions from 3 submitters: Pathogenic (2); Likely pathogenic (1). Last evaluated 2024-12-10.

Conditions:
POC1B-related disorder. Also called: POC1B-related condition.
Retinal dystrophy. Also called: Inherited retinal dystrophy. Identifiers: Orphanet 71862, MedGen C0854723, MeSH D058499, MONDO:0019118, HP:0000556.

Allele frequency attached by ClinVar (database versions not stated): gnomAD exomes 0.00001; ExAC 0.00002; gnomAD 0.00004 and 0.00005.

Submissions (3):

Labcorp Genetics (formerly Invitae), Labcorp
Classification: Pathogenic. Last evaluated: 2024-12-10. Review status: criteria provided, single submitter. Criteria: Invitae Variant Classification Sherloc (09022015). Collection method: clinical testing. Allele origin: germline.
Comment: This sequence change creates a premature translational stop signal (p.Pro360Argfs*8) in the POC1B gene. It is expected to result in an absent or disrupted protein product. Loss-of-function variants in POC1B are known to be pathogenic (PMID: 25018096, 29220607). This variant is present in population databases (rs774472777, gnomAD 0.004%). This variant has not been reported in the literature in individuals affected with POC1B-related conditions. ClinVar contains an entry for this variant (Variation ID: 1397795). For these reasons, this variant has been classified as Pathogenic.

Blueprint Genetics
Classification: Likely pathogenic for POC1B-related disorders. Last evaluated: 2024-10-18. Review status: criteria provided, single submitter. Criteria: ACMG Guidelines, 2015. Collection method: clinical testing. Allele origin: germline. Affected: yes. Observed: 5 variant alleles.

Institute of Human Genetics, Univ. Regensburg, Univ. Regensburg
Classification: Pathogenic for Retinal dystrophy. Last evaluated: 2020-01-01. Review status: criteria provided, single submitter. Criteria: ACMG Guidelines, 2015. Collection method: clinical testing. Allele origin: germline. Affected: yes.

Literature cited by the submitters: PubMed 25018096 (cited by Labcorp Genetics (formerly Invitae), Labcorp); PubMed 29220607 (cited by Labcorp Genetics (formerly Invitae), Labcorp); PubMed 34327195 (cited by Institute of Human Genetics, Univ. Regensburg, Univ. Regensburg); PubMed 3196484 (cited by Institute of Human Genetics, Univ. Regensburg, Univ. Regensburg).